The following is an entry in ClinVar:

ClinVar aggregate classification (germline): Uncertain significance. Review status: criteria provided, multiple submitters, no conflicts (2 of 4 stars). 4 submissions from 4 submitters: Uncertain significance (4). Last evaluated 2026-01-06.

Conditions:
Hereditary cancer-predisposing syndrome. Also called: Hereditary Cancer Syndrome; Hereditary neoplastic syndrome; Neoplastic Syndromes, Hereditary; Tumor predisposition. Identifiers: Orphanet 140162, MedGen C0027672, MeSH D009386, MONDO:0015356.

Allele frequency attached by ClinVar (database versions not stated): TOPMed 0.00001; ExAC 0.00002; gnomAD exomes 0.00002; gnomAD 0.00003.
gnomAD v4.1: 13 of 1,613,640 alleles (0.00081%); highest among the groups gnomAD compares: African/African-American, 0.0053%; no homozygotes.

Submissions (4):

Labcorp Genetics (formerly Invitae), Labcorp
Classification: Uncertain significance. Last evaluated: 2026-01-06. Review status: criteria provided, single submitter. Criteria: Invitae Variant Classification Sherloc (09022015). Collection method: clinical testing. Allele origin: germline.
Comment: This sequence change replaces arginine, which is basic and polar, with histidine, which is basic and polar, at codon 1870 of the POLE protein (p.Arg1870His). This variant is present in population databases (rs758619238, gnomAD 0.01%). This variant has not been reported in the literature in individuals affected with POLE-related conditions. ClinVar contains an entry for this variant (Variation ID: 405714). Invitae Evidence Modeling of protein sequence and biophysical properties (such as structural, functional, and spatial information, amino acid conservation, physicochemical variation, residue mobility, and thermodynamic stability) indicates that this missense variant is not expected to disrupt POLE protein function with a negative predictive value of 80%. In summary, the available evidence is currently insufficient to determine the role of this variant in disease. Therefore, it has been classified as a Variant of Uncertain Significance.

Ambry Genetics
Classification: Uncertain significance for Hereditary cancer-predisposing syndrome. Last evaluated: 2025-10-22. Review status: criteria provided, single submitter. Criteria: Ambry Variant Classification Scheme 2023. Collection method: clinical testing. Allele origin: germline.
Comment: The p.R1870H variant (also known as c.5609G>A), located in coding exon 41 of the POLE gene, results from a G to A substitution at nucleotide position 5609. The arginine at codon 1870 is replaced by histidine, an amino acid with highly similar properties. This amino acid position is conserved. In addition, the in silico prediction for this alteration is inconclusive. Since supporting evidence is limited at this time, the clinical significance of this alteration remains unclear.

GeneDx
Classification: Uncertain significance. Last evaluated: 2025-09-03. Review status: criteria provided, single submitter. Criteria: GeneDx Variant Classification Process June 2021. Collection method: clinical testing. Allele origin: germline. Affected: yes.
Comment: Not observed at significant frequency in large population cohorts (gnomAD); In silico analysis supports that this missense variant has a deleterious effect on protein structure/function; Has not been previously published as pathogenic or benign to our knowledge; This variant is associated with the following publications: (PMID: 22722202, 29056344)

Women's Health and Genetics/Laboratory Corporation of America, LabCorp
Classification: Uncertain significance. Last evaluated: 2023-02-03. Review status: criteria provided, single submitter. Criteria: LabCorp Variant Classification Summary - May 2015. Collection method: clinical testing. Allele origin: germline.
Comment: Variant summary: POLE c.5609G>A (p.Arg1870His) results in a non-conservative amino acid change located in the DNA polymerase epsilon, catalytic subunit A, C-terminal domain (IPR013697) of the encoded protein sequence. Four of five in-silico tools predict a damaging effect of the variant on protein function. The variant allele was found at a frequency of 1.6e-05 in 251448 control chromosomes (gnomAD). The available data on variant occurrences in the general population are insufficient to allow any conclusion about variant significance. To our knowledge, no occurrence of c.5609G>A in individuals affected with colorectal cancer and no experimental evidence demonstrating its impact on protein function have been reported. Three clinical diagnostic laboratories have submitted clinical-significance assessments for this variant to ClinVar after 2014 and all classified the variant as uncertain significance. Based on the evidence outlined above, the variant was classified as uncertain significance.

NM_006231.4(POLE):c.5609G>A (p.Arg1870His)

Gene: POLE (DNA polymerase epsilon, catalytic subunit; minus strand). Cytogenetic location: 12q24.33.
Variant type: single nucleotide variant.
Coding change: c.5609G>A on transcript NM_006231.4 (MANE Select); coding-DNA position 5609, G replaced by A.
Protein change: p.Arg1870His; replaces arginine 1870 with histidine.
Molecular consequence: missense variant.
Genome position (GRCh38, 1-based): chr12:132,638,083, C>T on the plus strand (G>A on the coding strand, the complement: POLE is on the minus strand). VCF-style: chr12-132638083-C-T. GRCh37 (hg19) VCF-style: chr12-133214669-C-T.
Other names: short protein forms R1870H.
Identifiers: ClinVar variation 405714 (VCV000405714.18), dbSNP rs758619238, ClinGen allele CA6892461.
Genomic context (GRCh38, chr12:132,638,083, plus strand): 5'-ATGTACTCCACGTAAGCGATGGCATCTTCCACACGGCGCTTCTTTGTACAGAGGATGATG[C>T]GGTTGAAGTTGGCGTAGATGACTGATGACCCCAGGCGCTTGAACTCAGCGATGAGCCTGT-3'
Protein context (NP_006222.2, residues 1860-1880): GSSVIYANFN[Arg1870His]IILCTKKRRV